The following is an entry in ClinVar:

ClinVar aggregate classification (germline): Pathogenic (1 of 4 stars; one submission).

Conditions:
Autosomal recessive severe congenital neutropenia due to CSF3R deficiency. Also called: Neutropenia, severe congenital, 7, autosomal recessive. Identifiers: Orphanet 420702, MedGen C4310764, MONDO:0014865, OMIM 617014.

Submission:

Labcorp Genetics (formerly Invitae), Labcorp
Classification: Pathogenic for Autosomal recessive severe congenital neutropenia due to CSF3R deficiency. Last evaluated: 2023-12-12. Review status: criteria provided, single submitter. Criteria: Invitae Variant Classification Sherloc (09022015). Collection method: clinical testing. Allele origin: germline.
Comment: This sequence change creates a premature translational stop signal (p.Gln369*) in the CSF3R gene. It is expected to result in an absent or disrupted protein product. Loss-of-function variants in CSF3R are known to be pathogenic (PMID: 24753537, 26324699). This variant is not present in population databases (gnomAD no frequency). This variant has not been reported in the literature in individuals affected with CSF3R-related conditions. For these reasons, this variant has been classified as Pathogenic.

Literature cited by the submitters: PubMed 24753537; PubMed 26324699.

NM_000760.4(CSF3R):c.1105C>T (p.Gln369Ter)

Gene: CSF3R (colony stimulating factor 3 receptor; minus strand). Cytogenetic location: 1p34.3.
Variant type: single nucleotide variant.
Coding change: c.1105C>T on transcript NM_000760.4 (MANE Select); coding-DNA position 1105, C replaced by T.
Protein change: p.Gln369Ter; replaces glutamine 369 with a stop codon.
Molecular consequence: nonsense.
Genome position (GRCh38, 1-based): chr1:36,471,613, G>A on the plus strand (C>T on the coding strand, the complement: CSF3R is on the minus strand). VCF-style: chr1-36471613-G-A. GRCh37 (hg19) VCF-style: chr1-36937214-G-A.
Other names: c.1105C>T, p.Gln369Ter (NM_156039.3, NM_172313.3); short protein forms Q369*.
Identifiers: ClinVar variation 2771578 (VCV002771578.3), dbSNP rs1219480195, ClinGen allele CA339421971.